The following is an entry in ClinVar:

ClinVar aggregate classification (germline): Pathogenic/Likely pathogenic. Review status: criteria provided, multiple submitters, no conflicts (2 of 4 stars). 3 submissions from 3 submitters: Pathogenic (2); Likely pathogenic (1). Last evaluated 2026-09-08.

Conditions:
Familial hemophagocytic lymphohistiocytosis 2 (FHL2). Also called: PRF1-Related Familial Hemophagocytic Lymphohistiocytosis (PRF1-fHLH). Identifiers: Orphanet 540, MedGen C1863727, MONDO:0011337, OMIM 603553.

Allele frequency attached by ClinVar (database versions not stated): gnomAD exomes below 0.00001.

Submissions (3):

Myriad Genetics, Inc.
Classification: Pathogenic for Familial hemophagocytic lymphohistiocytosis 2. Last evaluated: 2026-09-08. Review status: criteria provided, single submitter. Criteria: Myriad Autosomal Dominant, Autosomal Recessive and X-Linked Classification Criteria (2023). Collection method: clinical testing. Allele origin: unknown.
Comment: NM_001083116.1(PRF1):c.490C>T(Q164*) is a nonsense variant classified as pathogenic in the context of familial hemophagocytic lymphohistiocytosis, PRF1-related. Q164* has been observed in cases with relevant disease (PMID: 33746956). Relevant functional assessments of this variant are not available in the literature. Q164* has not been observed in referenced population frequency databases. In summary, NM_001083116.1(PRF1):c.490C>T(Q164*) is a nonsense variant in a gene where loss of function is a known mechanism of disease, is predicted to disrupt protein function, and has been observed more frequently in cases with the relevant disease than in healthy populations. Please note: this variant was assessed in the context of healthy population screening.

GeneDx
Classification: Likely pathogenic. Last evaluated: 2025-05-11. Review status: criteria provided, single submitter. Criteria: GeneDx Variant Classification Process June 2021. Collection method: clinical testing. Allele origin: germline. Affected: yes.
Comment: Nonsense variant predicted to result in protein truncation, as the last 392 amino acid(s) are lost, and other loss-of-function variants have been reported downstream in HGMD; Not observed at significant frequency in large population cohorts (gnomAD); This variant is associated with the following publications: (PMID: 25577959, 33746956, 16860143)

Labcorp Genetics (formerly Invitae), Labcorp
Classification: Pathogenic for Familial hemophagocytic lymphohistiocytosis 2. Last evaluated: 2024-12-09. Review status: criteria provided, single submitter. Criteria: Invitae Variant Classification Sherloc (09022015). Collection method: clinical testing. Allele origin: germline.
Comment: This sequence change creates a premature translational stop signal (p.Gln164*) in the PRF1 gene. It is expected to result in an absent or disrupted protein product. Loss-of-function variants in PRF1 are known to be pathogenic (PMID: 1156555, 16860143). This variant is not present in population databases (gnomAD no frequency). This premature translational stop signal has been observed in individual(s) with autosomal recessive familial hemophagocytic lymphohistiocytosis (FHL) (PMID: 25577959). ClinVar contains an entry for this variant (Variation ID: 2735413). For these reasons, this variant has been classified as Pathogenic.

Literature cited by the submitters: PubMed 33746956 (cited by Myriad Genetics, Inc.); PubMed 1156555 (cited by Labcorp Genetics (formerly Invitae), Labcorp); PubMed 16860143 (cited by Labcorp Genetics (formerly Invitae), Labcorp); PubMed 25577959 (cited by Labcorp Genetics (formerly Invitae), Labcorp).

NM_001083116.3(PRF1):c.490C>T (p.Gln164Ter)

Gene: PRF1 (perforin 1; minus strand). Cytogenetic location: 10q22.1.
Variant type: single nucleotide variant.
Coding change: c.490C>T on transcript NM_001083116.3 (MANE Select); coding-DNA position 490, C replaced by T.
Protein change: p.Gln164Ter; replaces glutamine 164 with a stop codon.
Molecular consequence: nonsense.
Genome position (GRCh38, 1-based): chr10:70,600,413, G>A on the plus strand (C>T on the coding strand, the complement: PRF1 is on the minus strand). VCF-style: chr10-70600413-G-A. GRCh37 (hg19) VCF-style: chr10-72360169-G-A.
Other names: c.490C>T, p.Gln164Ter (NM_005041.6); short protein forms Q164*.
Identifiers: ClinVar variation 2735413 (VCV002735413.5), dbSNP rs2493486847, ClinGen allele CA376959313.
Genomic context (GRCh38, chr10:70,600,413, plus strand): 5'-CCAGCTCTCACCTGTAGAAGCGGCACTCCACCGTGTCAGTGCTGAAGCTGTACTGGTCCT[G>A]GTGGGTCTTCTGGGCTGCAAAGTTGGCTGCCTGTGAGTGTGAGCCGGCCACAGACACATG-3'